The following is an entry in ClinVar:

NM_001035.3(RYR2):c.510A>C (p.Ser170=)

Gene: RYR2 (ryanodine receptor 2; plus strand). Cytogenetic location: 1q43.
Variant type: single nucleotide variant.
Coding change: c.510A>C on transcript NM_001035.3 (MANE Select); coding-DNA position 510, A replaced by C.
Protein change: p.Ser170=; no amino-acid change (serine 170 retained).
Molecular consequence: synonymous variant.
Genome position (GRCh38, 1-based): chr1:237,377,369, A>C. VCF-style: chr1-237377369-A-C. GRCh37 (hg19) VCF-style: chr1-237540669-A-C.
Other names: c.510A>C, p.Ser170= (LRG_402t1).
Identifiers: ClinVar variation 388718 (VCV000388718.8), dbSNP rs1057523213, ClinGen allele CA16603555.

ClinVar aggregate classification (germline): Likely benign. Review status: criteria provided, multiple submitters, no conflicts (2 of 4 stars). 2 submissions from 2 submitters: Likely benign (2). Last evaluated 2022-11-08.

Conditions:
Catecholaminergic polymorphic ventricular tachycardia 1. Also called: RYR2-Related Catecholaminergic Polymorphic Ventricular Tachycardia; VENTRICULAR TACHYCARDIA, CATECHOLAMINERGIC POLYMORPHIC, 1, WITH OR WITHOUT ATRIAL DYSFUNCTION AND/OR DILATED CARDIOMYOPATHY; VENTRICULAR TACHYCARDIA, STRESS-INDUCED POLYMORPHIC 1. Identifiers: Orphanet 3286, MedGen C1631597, MONDO:0011484, OMIM 604772.

Allele frequency attached by ClinVar (database versions not stated): gnomAD exomes below 0.00001.
gnomAD v4.1: 2 of 1,613,734 alleles (0.00012%); highest among the groups gnomAD compares: Non-Finnish European, 0.00017%; no homozygotes.

Submissions (2):

Labcorp Genetics (formerly Invitae), Labcorp
Classification: Likely benign for Catecholaminergic polymorphic ventricular tachycardia 1. Last evaluated: 2022-11-08. Review status: criteria provided, single submitter. Criteria: Invitae Variant Classification Sherloc (09022015). Collection method: clinical testing. Allele origin: germline.

GeneDx
Classification: Likely benign. Last evaluated: 2016-09-01. Review status: criteria provided, single submitter. Criteria: GeneDx Variant Classification (06012015). Collection method: clinical testing. Allele origin: germline. Affected: yes.
Comment: This variant is considered likely benign or benign based on one or more of the following criteria: it is a conservative change, it occurs at a poorly conserved position in the protein, it is predicted to be benign by multiple in silico algorithms, and/or has population frequency not consistent with disease.